The following is an entry in ClinVar:

NM_001142864.4(PIEZO1):c.7183G>A (p.Ala2395Thr)

Gene: PIEZO1 (piezo type mechanosensitive ion channel component 1 (Er blood group); minus strand). Cytogenetic location: 16q24.3.
Variant type: single nucleotide variant.
Coding change: c.7183G>A on transcript NM_001142864.4 (MANE Select); coding-DNA position 7183, G replaced by A.
Protein change: p.Ala2395Thr; replaces alanine 2395 with threonine.
Molecular consequence: missense variant.
Genome position (GRCh38, 1-based): chr16:88,716,066, C>T on the plus strand (G>A on the coding strand, the complement: PIEZO1 is on the minus strand). VCF-style: chr16-88716066-C-T. GRCh37 (hg19) VCF-style: chr16-88782474-C-T.
Other names: short protein forms A2395T.
Identifiers: ClinVar variation 995626 (VCV000995626.11), dbSNP rs1018199395, ClinGen allele CA286406219.

ClinVar aggregate classification (germline): Conflicting classifications of pathogenicity. Review status: criteria provided, conflicting classifications (1 of 4 stars). 3 submissions from 3 submitters: Uncertain significance (1); Benign (1); Likely benign (1). Last evaluated 2025-10-18.

Conditions:
Lymphatic malformation 6 (LMPHM6). Also called: GENERALIZED LYMPHATIC DYSPLASIA OF FOTIOU; PIEZO1-related generalized lymphatic dysplasia with non-immune hydrops fetalis; Lymphedema, hereditary, III. Identifiers: Orphanet 568062, MedGen C4225184, MONDO:0014797, OMIM 616843.
Dehydrated hereditary stomatocytosis with or without pseudohyperkalemia and/or perinatal edema (DHS1). Also called: Dehydrated hereditary stomatocytosis 1 with or without pseudohyperkalemia and/or perinatal edema; PSEUDOHYPERKALEMIA EDINBURGH; DEHYDRATED HEREDITARY STOMATOCYTOSIS AND PSEUDOHYPERKALEMIA; DEHYDRATED HEREDITARY STOMATOCYTOSIS WITH PSEUDOHYPERKALEMIA AND PERINATAL EDEMA; Pseudohyperkalemia, familial, 1, due to red cell leak. Identifiers: Orphanet 3202, MedGen C4551512, MONDO:0008689, OMIM 194380.

Allele frequency attached by ClinVar (database versions not stated): gnomAD exomes 0.00013; gnomAD 0.00016; TOPMed 0.00019; 1000 Genomes Project 30x 0.00031.
gnomAD v4.1: 71 of 1,550,098 alleles (0.0046%); highest among the groups gnomAD compares: Admixed American, 0.057%; no homozygotes.

Submissions (3):

Labcorp Genetics (formerly Invitae), Labcorp
Classification: Benign. Last evaluated: 2025-10-18. Review status: criteria provided, single submitter. Criteria: Invitae Variant Classification Sherloc (09022015). Collection method: clinical testing. Allele origin: germline.

ARUP Laboratories, Molecular Genetics and Genomics, ARUP Laboratories
Classification: Likely benign. Last evaluated: 2025-06-27. Review status: criteria provided, single submitter. Criteria: ARUP Molecular Germline Variant Investigation Process 2024. Collection method: clinical testing. Allele origin: germline.

Clinical Genomics Laboratory, Washington University in St. Louis
Classification: Uncertain significance for Dehydrated hereditary stomatocytosis with or without pseudohyperkalemia and/or perinatal edema; Lymphatic malformation 6. Last evaluated: 2025-02-06. Review status: criteria provided, single submitter. Criteria: ACMG Guidelines, 2015. Collection method: clinical testing. Allele origin: germline.
Comment: A PIEZO1 c.7183G>A (p.Ala2395Thr) variant was identified at a near heterozygous allelic fraction of 49.6%, a frequency which may be consistent with it being of germline origin. This variant, to our knowledge, has not been reported in the medical literature. This variant has been reported in the ClinVar database as a germline variant of uncertain significance by a single submitter (ClinVar Variation ID: 995626). The highest population minor allele frequency in the population database genome aggregation database (v.4.1.0) is 0.03% in the Middle Eastern population. Computational predictors suggest that the variant does not impact PIEZO1 function. Due to limited information, and based on ACMG/AMP guidelines for variant interpretation (Richards S et al., PMID: 25741868), the clinical significance of the PIEZO1 c.7183G>A (p.Ala2395Thr) variant is uncertain at this time.